The following is an entry in ClinVar:

NM_004589.4(SCO1):c.31G>A (p.Val11Ile)

Genes: SCO1 (synthesis of cytochrome C oxidase 1; minus strand), LOC112529895 (Sharpr-MPRA regulatory region 5903; plus strand). Cytogenetic location: 17p13.1.
Variant type: single nucleotide variant.
Coding change: c.31G>A on transcript NM_004589.4 (MANE Select); coding-DNA position 31, G replaced by A.
Protein change: p.Val11Ile; replaces valine 11 with isoleucine.
Molecular consequence: missense variant.
Genome position (GRCh38, 1-based): chr17:10,697,477, C>T on the plus strand (G>A on the coding strand, the complement: SCO1 is on the minus strand). VCF-style: chr17-10697477-C-T. GRCh37 (hg19) VCF-style: chr17-10600794-C-T.
Other names: short protein forms V11I.
Identifiers: ClinVar variation 2233257 (VCV002233257.4), dbSNP rs762016565, ClinGen allele CA8393723.
Genomic context (GRCh38, chr17:10,697,477, plus strand): 5'-CCCAAAACTCGAGTCCGCGAGGCAAGAAGCGCCAAAGTTGGCCACCCAGAGGCCGCATAA[C>T]TCGTCCGGGTACTAGGACCAGCATCGCCATGAGCCTCGGAGACCGGGTCTCCTTTGACCC-3'
Protein context (NP_004580.1, residues 1-21): MAMLVLVPGR[Val11Ile]MRPLGGQLWR

ClinVar aggregate classification (germline): Uncertain significance. Review status: criteria provided, multiple submitters, no conflicts (2 of 4 stars). 3 submissions from 3 submitters: Uncertain significance (3). Last evaluated 2026-03-15.

Conditions:
Inborn genetic diseases. Identifiers: MedGen C0950123, MeSH D030342.
Mitochondrial complex IV deficiency, nuclear type 4. Also called: Mitochondrial complex 4 deficiency, nuclear type 4. Identifiers: MedGen C5436683, MONDO:0033636, OMIM 619048.

Allele frequency attached by ClinVar (database versions not stated): gnomAD 0.00003; gnomAD exomes 0.00006; ExAC 0.00010.
gnomAD v4.1: 84 of 1,613,386 alleles (0.0052%); highest among the groups gnomAD compares: East Asian, 0.19%; no homozygotes.

Submissions (3):

GeneDx
Classification: Uncertain significance. Last evaluated: 2026-03-15. Review status: criteria provided, single submitter. Criteria: GeneDx Variant Classification Process June 2021. Collection method: clinical testing. Allele origin: germline.
Comment: In silico analysis suggests that this missense variant does not alter protein structure/function; Has not been previously published as pathogenic or benign to our knowledge

Fulgent Genetics
Classification: Uncertain significance for Mitochondrial complex IV deficiency, nuclear type 4. Last evaluated: 2024-02-08. Review status: criteria provided, single submitter. Criteria: ACMG Guidelines, 2015. Collection method: clinical testing. Allele origin: germline.

Ambry Genetics
Classification: Uncertain significance for Inborn genetic diseases. Last evaluated: 2022-05-20. Review status: criteria provided, single submitter. Criteria: Ambry Variant Classification Scheme 2023. Collection method: clinical testing. Allele origin: germline.